The following is an entry in ClinVar:

ClinVar aggregate classification (germline): Likely pathogenic (1 of 4 stars; one submission).

Allele frequency attached by ClinVar (database versions not stated): TOPMed below 0.00001; gnomAD 0.00001; gnomAD exomes 0.00004.

Submission:

GeneDx
Classification: Likely pathogenic. Last evaluated: 2023-02-24. Review status: criteria provided, single submitter. Criteria: GeneDx Variant Classification Process June 2021. Collection method: clinical testing. Allele origin: germline. Affected: yes.
Comment: In-frame deletion of one amino acid in a non-repeat region; In silico analysis, which includes protein predictors and evolutionary conservation, supports a deleterious effect; Not observed at a significant frequency in large population cohorts (gnomAD); This variant is associated with the following publications: (PMID: 20382551)

NM_005006.7(NDUFS1):c.631_633del (p.Glu211del)

Gene: NDUFS1 (NADH:ubiquinone oxidoreductase core subunit S1; minus strand). Cytogenetic location: 2q33.3.
Variant type: Deletion.
Coding change: c.631_633del on transcript NM_005006.7 (MANE Select); coding-DNA positions 631 to 633, 3 bases deleted (GAA; older notation c.631_633delGAA).
Protein change: p.Glu211del; deletes glutamic acid 211.
Molecular consequence: inframe deletion.
Genome position (GRCh38, 1-based): chr2:206,147,007-206,147,009, TTC deleted on the plus strand (GAA on the coding strand, the reverse complement: NDUFS1 is on the minus strand). VCF-style (leftmost placement, unchanged base first): chr2-206147006-TTTC-T. GRCh37 (hg19) VCF-style: chr2-207011730-TTTC-T.
Other names: c.523_525del, p.Glu175del (NM_001199981.2); c.298_300del, p.Glu100del (NM_001199982.2); c.460_462del, p.Glu154del (NM_001199983.2); c.673_675del, p.Glu225del (NM_001199984.2); short protein forms E100del, E154del, E175del, E211del, E225del.
Identifiers: ClinVar variation 2430648 (VCV002430648.1), dbSNP rs1164813108, ClinGen allele CA539058365.
Genomic context (GRCh38, chr2:206,147,006, plus strand): 5'-TTAGGGCACCTACAGGGCAGATATCAATGATATTCCCAGACAGTTCAGACATGAACATCT[TTTC>T]AATGTATGTGCCAACTTGCATATCATTTCCTCTGCCTGTTGTTCCCAAATCATCTACTCC-3'